The following is an entry in ClinVar:

ClinVar aggregate classification (germline): Uncertain significance (1 of 4 stars; one submission).

Conditions:
Immunodeficiency 39 (IMD39). Identifiers: Orphanet 574918, MedGen C4225358, MONDO:0014597, OMIM 616345.

Allele frequency attached by ClinVar (database versions not stated): ExAC 0.00002; gnomAD exomes 0.00002; TOPMed 0.00002.
gnomAD v4.1: 7 of 1,584,264 alleles (0.00044%); highest among the groups gnomAD compares: East Asian, 0.016%; no homozygotes.

Submission:

Labcorp Genetics (formerly Invitae), Labcorp
Classification: Uncertain significance for Immunodeficiency 39. Last evaluated: 2023-11-20. Review status: criteria provided, single submitter. Criteria: Invitae Variant Classification Sherloc (09022015). Collection method: clinical testing. Allele origin: germline.
Comment: This sequence change replaces valine, which is neutral and non-polar, with leucine, which is neutral and non-polar, at codon 25 of the IRF7 protein (p.Val25Leu). This variant is present in population databases (rs746593118, gnomAD 0.02%). This variant has not been reported in the literature in individuals affected with IRF7-related conditions. ClinVar contains an entry for this variant (Variation ID: 859937). Advanced modeling of protein sequence and biophysical properties (such as structural, functional, and spatial information, amino acid conservation, physicochemical variation, residue mobility, and thermodynamic stability) performed at Invitae indicates that this missense variant is not expected to disrupt IRF7 protein function with a negative predictive value of 80%. In summary, the available evidence is currently insufficient to determine the role of this variant in disease. Therefore, it has been classified as a Variant of Uncertain Significance.

NM_001572.5(IRF7):c.34G>C (p.Val12Leu)

Gene: IRF7 (interferon regulatory factor 7; minus strand). Cytogenetic location: 11p15.5.
Variant type: single nucleotide variant.
Coding change: c.34G>C on transcript NM_001572.5 (MANE Select); coding-DNA position 34, G replaced by C.
Protein change: p.Val12Leu; replaces valine 12 with leucine.
Molecular consequence: missense variant.
Genome position (GRCh38, 1-based): chr11:615,246, C>G on the plus strand (G>C on the coding strand, the complement: IRF7 is on the minus strand). VCF-style: chr11-615246-C-G. GRCh37 (hg19) VCF-style: chr11-615246-C-G.
Other names: c.34G>C, p.Val12Leu (NM_004029.4); c.73G>C, p.Val25Leu (NM_004031.4); short protein forms V25L, V12L.
Identifiers: ClinVar variation 859937 (VCV000859937.9), dbSNP rs746593118, ClinGen allele CA5784110.